The following is an entry in ClinVar:

ClinVar aggregate classification (germline): Uncertain significance (1 of 4 stars; one submission).

Conditions:
Familial hypocalciuric hypercalcemia 1. Also called: Hypercalcemia, familial benign type 1. Identifiers: Orphanet 405, Orphanet 93372, MedGen C0342637, MONDO:0007791, OMIM 145980.
Autosomal dominant hypocalcemia 1 (HYPOC1). Also called: HYPOCALCEMIA, FAMILIAL. Identifiers: MedGen C3715128, MONDO:0011013, OMIM 601198.
Epilepsy, idiopathic generalized, susceptibility to, 8. Identifiers: MedGen C2752062, MONDO:0013032, OMIM 612899.
Neonatal severe primary hyperparathyroidism. Identifiers: Orphanet 417, MedGen C1832615, MONDO:0009397, OMIM 239200.

Submission:

Juno Genomics, Hangzhou Juno Genomics, Inc
Classification: Uncertain significance for Epilepsy, idiopathic generalized, susceptibility to, 8; Neonatal severe primary hyperparathyroidism; Autosomal dominant hypocalcemia 1; Familial hypocalciuric hypercalcemia 1. Review status: criteria provided, single submitter. Criteria: ACMG Guidelines, 2015. Collection method: clinical testing. Allele origin: germline. Affected: yes.
Comment: Absent from controls (or at extremely low frequency if recessive) in Genome Aggregation Database, Exome Sequencing Project, 1000 Genomes Project, or Exome Aggregation Consortium.;Null variant in a gene where loss of function (LOF) is a known mechanism of disease.

NM_000388.4(CASR):c.2938del (p.Asp980fs)

Gene: CASR (calcium sensing receptor; plus strand). Cytogenetic location: 3q21.1.
Variant type: Deletion.
Coding change: c.2938del on transcript NM_000388.4 (MANE Select); coding-DNA position 2938, one base deleted (G; older notation c.2938delG).
Protein change: p.Asp980fs; shifts the reading frame from aspartic acid 980.
Molecular consequence: frameshift variant.
Genome position (GRCh38, 1-based): chr3:122,284,892, G deleted. VCF-style (leftmost placement, unchanged base first): chr3-122284891-TG-T. GRCh37 (hg19) VCF-style: chr3-122003738-TG-T.
Other names: c.2968del, p.Asp990fs (NM_001178065.2); short protein forms D980fs, D990fs.
Identifiers: ClinVar variation 3382196 (VCV003382196.2).